The following is an entry in ClinVar:

NM_001099289.3(SH3RF3):c.70G>A (p.Glu24Lys)

Genes: RANBP2 (RAN binding protein 2; plus strand), SH3RF3 (SH3 domain containing ring finger 3; plus strand), SH3RF3-AS1 (SH3RF3 antisense RNA 1; minus strand). Cytogenetic location: 2q13.
Variant type: single nucleotide variant.
Coding change: c.70G>A on transcript NM_001099289.3 (MANE Select); coding-DNA position 70, G replaced by A.
Protein change: p.Glu24Lys; replaces glutamic acid 24 with lysine.
Molecular consequence: missense variant. On other transcripts: non-coding transcript variant (1).
Genome position (GRCh38, 1-based): chr2:109,129,610, G>A. VCF-style: chr2-109129610-G-A. GRCh37 (hg19) VCF-style: chr2-109746066-G-A.
Other names: short protein forms E24K.
Identifiers: ClinVar variation 2321705 (VCV002321705.2), dbSNP rs770601985, ClinGen allele CA1825323.
Genomic context (GRCh38, chr2:109,129,610, plus strand): 5'-GGAGCGTCCTGGCTGTGCGCATCCAAGGCGGCCGCCGCTGCTGCGCAGAGCGAGGGCGAC[G>A]AGGACAGGCCAGGCGAGCGACGGCGGCGTCGGGCGGCGGCCACCGCCGCGGGGGCGGGCG-3'
Protein context (NP_001092759.1, residues 14-34): AAAAAQSEGD[Glu24Lys]DRPGERRRRR

ClinVar aggregate classification (germline): Uncertain significance (1 of 4 stars; one submission).

gnomAD v4.1: 1 of 1,481,516 alleles (0.000067%); highest among the groups gnomAD compares: Non-Finnish European, 0.000089%; no homozygotes.

Submission:

Ambry Genetics
Classification: Uncertain significance. Last evaluated: 2022-11-04. Review status: criteria provided, single submitter. Criteria: Ambry Variant Classification Scheme 2023. Collection method: clinical testing. Allele origin: germline.
Comment: The c.70G>A (p.E24K) alteration is located in exon (coding exon ) of the SH3RF3 gene. This alteration results from a G to A substitution at nucleotide position 70, causing the glutamic acid (E) at amino acid position 24 to be replaced by a lysine (K). Based on insufficient or conflicting evidence, the clinical significance of this alteration remains unclear.